The following is an entry in ClinVar:

NM_016507.4(CDK12):c.702T>A (p.Asp234Glu)

Genes: CDK12 (cyclin dependent kinase 12; plus strand), LOC126862553 (CDK7 strongly-dependent group 2 enhancer GRCh37_chr17:37618166-37619365; plus strand). Cytogenetic location: 17q12.
Variant type: single nucleotide variant.
Coding change: c.702T>A on transcript NM_016507.4 (MANE Select); coding-DNA position 702, T replaced by A.
Protein change: p.Asp234Glu; replaces aspartic acid 234 with glutamic acid.
Molecular consequence: missense variant.
Genome position (GRCh38, 1-based): chr17:39,462,773, T>A. VCF-style: chr17-39462773-T-A. GRCh37 (hg19) VCF-style: chr17-37619026-T-A.
Other names: c.702T>A, p.Asp234Glu (NM_015083.4); short protein forms D234E.
Identifiers: ClinVar variation 3999227 (VCV003999227.1).
Genomic context (GRCh38, chr17:39,462,773, plus strand): 5'-CAGCCCAAAACGGAGATCCAGGAGCCCCCACAGGAAGTGGTCTGACAGCTCCAAACAAGA[T>A]GATAGCCCCTCGGGAGCTTCTTATGGCCAAGATTATGACCTTAGTCCCTCACGATCTCAT-3'
Protein context (NP_057591.2, residues 224-244): HRKWSDSSKQ[Asp234Glu]DSPSGASYGQ

ClinVar aggregate classification (germline): Uncertain significance (1 of 4 stars; one submission).

Submission:

Ambry Genetics
Classification: Uncertain significance. Last evaluated: 2025-03-16. Review status: criteria provided, single submitter. Criteria: Ambry Variant Classification Scheme 2023. Collection method: clinical testing. Allele origin: germline.
Comment: The p.D234E variant (also known as c.702T>A), located in coding exon 1 of the CDK12 gene, results from a T to A substitution at nucleotide position 702. The aspartic acid at codon 234 is replaced by glutamic acid, an amino acid with highly similar properties. This amino acid position is conserved. In addition, this alteration is predicted to be tolerated by in silico analysis. Based on the available evidence, the clinical significance of this variant remains unclear.